The following is an entry in ClinVar:

NM_006267.5(RANBP2):c.1088G>A (p.Arg363His)

Gene: RANBP2 (RAN binding protein 2; plus strand). Cytogenetic location: 2q13.
Variant type: single nucleotide variant.
Coding change: c.1088G>A on transcript NM_006267.5 (MANE Select); coding-DNA position 1088, G replaced by A.
Protein change: p.Arg363His; replaces arginine 363 with histidine.
Molecular consequence: missense variant.
Genome position (GRCh38, 1-based): chr2:108,748,944, G>A. VCF-style: chr2-108748944-G-A. GRCh37 (hg19) VCF-style: chr2-109365400-G-A.
Other names: short protein forms R363H.
Identifiers: ClinVar variation 1014703 (VCV001014703.5), dbSNP rs550471130, ClinGen allele CA1822222.

ClinVar aggregate classification (germline): Uncertain significance (1 of 4 stars; one submission).

Conditions:
Familial acute necrotizing encephalopathy (IIAE3). Also called: ENCEPHALOPATHY, ACUTE, INFECTION-INDUCED, SUSCEPTIBILITY TO, 3; Susceptibility to Acute Necrotizing Encephalopathy 1. Identifiers: Orphanet 88619, MedGen C2675556, MONDO:0011953, OMIM 608033.

Allele frequency attached by ClinVar (database versions not stated): TOPMed below 0.00001; gnomAD 0.00001; gnomAD exomes 0.00001; ExAC 0.00002; 1000 Genomes Project 0.00020; 1000 Genomes Project 30x 0.00031.

Submission:

Labcorp Genetics (formerly Invitae), Labcorp
Classification: Uncertain significance for Familial acute necrotizing encephalopathy. Last evaluated: 2020-05-20. Review status: criteria provided, single submitter. Criteria: Invitae Variant Classification Sherloc (09022015). Collection method: clinical testing. Allele origin: germline.
Comment: In summary, the available evidence is currently insufficient to determine the role of this variant in disease. Therefore, it has been classified as a Variant of Uncertain Significance. Algorithms developed to predict the effect of missense changes on protein structure and function output the following: SIFT: "Deleterious"; PolyPhen-2: "Benign"; Align-GVGD: "Class C25". The histidine amino acid residue is found in multiple mammalian species, suggesting that this missense change does not adversely affect protein function. These predictions have not been confirmed by published functional studies and their clinical significance is uncertain. This variant has not been reported in the literature in individuals with RANBP2-related conditions. This variant is present in population databases (rs550471130, ExAC 0.01%). This sequence change replaces arginine with histidine at codon 363 of the RANBP2 protein (p.Arg363His). The arginine residue is highly conserved and there is a small physicochemical difference between arginine and histidine.